The following is an entry in ClinVar:

NM_001009944.3(PKD1):c.9794C>A (p.Ser3265Tyr)

Gene: PKD1 (polycystin 1, transient receptor potential channel interacting; minus strand). Cytogenetic location: 16p13.3.
Variant type: single nucleotide variant.
Coding change: c.9794C>A on transcript NM_001009944.3 (MANE Select); coding-DNA position 9794, C replaced by A.
Protein change: p.Ser3265Tyr; replaces serine 3265 with tyrosine.
Molecular consequence: missense variant.
Genome position (GRCh38, 1-based): chr16:2,099,990, G>T on the plus strand (C>A on the coding strand, the complement: PKD1 is on the minus strand). VCF-style: chr16-2099990-G-T. GRCh37 (hg19) VCF-style: chr16-2149991-G-T.
Other names: c.9794C>A, p.Ser3265Tyr (NM_000296.4); short protein forms S3265Y.
Identifiers: ClinVar variation 2628812 (VCV002628812.3), dbSNP rs1188643869, ClinGen allele CA394353901.

ClinVar aggregate classification (germline): Conflicting classifications of pathogenicity. Review status: criteria provided, conflicting classifications (1 of 4 stars). 3 submissions from 3 submitters: Likely pathogenic (2); Uncertain significance (1). Last evaluated 2025-06-19.

Conditions:
PKD1-related disorder. Also called: PKD1-related condition.
Polycystic kidney disease, adult type (PKD1). Also called: POLYCYSTIC KIDNEY DISEASE 1 WITH OR WITHOUT POLYCYSTIC LIVER DISEASE; Polycystic Kidney Disease 1, Autosomal Dominant; Polycystic kidney disease 1; Polycystic kidney disease 1, severe; Polycystic Kidney, Autosomal Dominant; POLYCYSTIC KIDNEY DISEASE, ADULT, TYPE I. Identifiers: MedGen C3149841, MONDO:0008263, OMIM 173900.

Allele frequency attached by ClinVar (database versions not stated): TOPMed below 0.00001.

Submissions (3):

Women's Health and Genetics/Laboratory Corporation of America, LabCorp
Classification: Uncertain significance. Last evaluated: 2025-06-19. Review status: criteria provided, single submitter. Criteria: LabCorp Variant Classification Summary - May 2015. Collection method: clinical testing. Allele origin: germline.
Comment: Variant summary: PKD1 c.9794C>A (p.Ser3265Tyr) results in a non-conservative amino acid change in the encoded protein sequence. Algorithms developed to predict the effect of missense changes on protein structure and function all suggest that this variant is likely to be disruptive. The variant was absent in 168568 control chromosomes (gnomAD). The available data on variant occurrences in the general population are insufficient to allow any conclusion about variant significance. To our knowledge, no occurrence of c.9794C>A in individuals affected with PKD1-Biallelic Autosomal Recessive Polycystic Kidney Disease and no experimental evidence demonstrating its impact on protein function have been reported. ClinVar contains an entry for this variant (Variation ID: 2628812). Based on the evidence outlined above, the variant was classified as uncertain significance.

Fulgent Genetics
Classification: Likely pathogenic for Polycystic kidney disease, adult type. Last evaluated: 2024-03-27. Review status: criteria provided, single submitter. Criteria: ACMG Guidelines, 2015. Collection method: clinical testing. Allele origin: germline.

PreventionGenetics, part of Exact Sciences
Classification: Likely pathogenic for PKD1-related condition. Last evaluated: 2023-01-24. Review status: criteria provided, single submitter. Criteria: ACMG Guidelines, 2015. Collection method: clinical testing. Allele origin: germline.
Comment: The PKD1 c.9794C>A variant is predicted to result in the amino acid substitution p.Ser3265Tyr. To our knowledge, this variant has not been reported in the literature or in a large population database, indicating this variant is rare. The p.Ser3265 residue is highly conserved during evolution from zebrafish. Of note, we have previously found this variant in the heterozygous state in multiple presumably unrelated patients tested for polycystic kidney disease including an exome testing at PreventionGenetics. Therefore, this variant is interpreted as likely pathogenic.